The following is an entry in ClinVar:

NM_001018115.3(FANCD2):c.1345A>G (p.Ser449Gly)

Genes: FANCD2 (FA complementation group D2; plus strand), LOC107303338 (3p25 FANCD2 Alu-mediated recombination region; plus strand). Cytogenetic location: 3p25.3.
Variant type: single nucleotide variant.
Coding change: c.1345A>G on transcript NM_001018115.3 (MANE Select); coding-DNA position 1345, A replaced by G.
Protein change: p.Ser449Gly; replaces serine 449 with glycine.
Molecular consequence: missense variant.
Genome position (GRCh38, 1-based): chr3:10,047,983, A>G. VCF-style: chr3-10047983-A-G. GRCh37 (hg19) VCF-style: chr3-10089667-A-G.
Other names: c.1345A>G, p.Ser449Gly (NM_001319984.2, NM_001374253.1, NM_001374254.1 and 1 more transcripts); short protein forms S449G.
Identifiers: ClinVar variation 997475 (VCV000997475.2), dbSNP rs2087075324, ClinGen allele CA351736135.
Genomic context (GRCh38, chr3:10,047,983, plus strand): 5'-AAGGATATGTGTTCATCCATTCTGTCGCTGGCTCAGAGTTTGCTTCACTCTCTAGACCAG[A>G]GTATAATTTCATTTGGCAGTCTCCTATACAAATATGCATTTAAGTTTTTTGACACGTACT-3'
Protein context (NP_001018125.1, residues 439-459): AQSLLHSLDQ[Ser449Gly]IISFGSLLYK

ClinVar aggregate classification (germline): Uncertain significance (1 of 4 stars; one submission).

Conditions:
Fanconi anemia complementation group D2. Also called: FANCD2-Related Fanconi Anemia; FANCONI PANCYTOPENIA, TYPE 4; FANCONI ANEMIA, COMPLEMENTATION GROUP D. Identifiers: Orphanet 84, MedGen C3160738, MONDO:0009214, OMIM 227646.

Submission:

Baylor Genetics
Classification: Uncertain significance for Fanconi anemia complementation group D2. Last evaluated: 2020-01-23. Review status: criteria provided, single submitter. Criteria: ACMG Guidelines, 2015. Collection method: clinical testing. Allele origin: unknown. Affected: yes. Study: CSER-TexasKidsCanSeq.
Comment: This variant was determined to be of uncertain significance according to ACMG Guidelines, 2015 [PMID:25741868].